The following is an entry in ClinVar:

ClinVar aggregate classification (germline): Uncertain significance (1 of 4 stars; one submission).

Conditions:
Inborn genetic diseases. Identifiers: MedGen C0950123, MeSH D030342.

Submission:

Ambry Genetics
Classification: Uncertain significance for Inborn genetic diseases. Last evaluated: 2025-10-01. Review status: criteria provided, single submitter. Criteria: Ambry Variant Classification Scheme 2023. Collection method: clinical testing. Allele origin: germline.
Comment: The p.E1073Q variant (also known as c.3217G>C), located in coding exon 1 of the SAMD9 gene, results from a G to C substitution at nucleotide position 3217. The glutamic acid at codon 1073 is replaced by glutamine, an amino acid with highly similar properties. This amino acid position is conserved. In addition, this alteration is predicted to be tolerated by in silico analysis. Based on the available evidence, the clinical significance of this variant remains unclear.

NM_017654.4(SAMD9):c.3217G>C (p.Glu1073Gln)

Gene: SAMD9 (sterile alpha motif domain containing 9; minus strand). Cytogenetic location: 7q21.2.
Variant type: single nucleotide variant.
Coding change: c.3217G>C on transcript NM_017654.4 (MANE Select); coding-DNA position 3217, G replaced by C.
Protein change: p.Glu1073Gln; replaces glutamic acid 1073 with glutamine.
Molecular consequence: missense variant.
Genome position (GRCh38, 1-based): chr7:93,102,881, C>G on the plus strand (G>C on the coding strand, the complement: SAMD9 is on the minus strand). VCF-style: chr7-93102881-C-G. GRCh37 (hg19) VCF-style: chr7-92732194-C-G.
Other names: c.3217G>C, p.Glu1073Gln (NM_001193307.2); short protein forms E1073Q.
Identifiers: ClinVar variation 4629840 (VCV004629840.1).